The following is an entry in ClinVar:

ClinVar aggregate classification (germline): Uncertain significance. Review status: criteria provided, multiple submitters, no conflicts (2 of 4 stars). 3 submissions from 3 submitters: Uncertain significance (3). Last evaluated 2026-02-02.

Conditions:
TJP2-related disorder. Also called: TJP2-related condition.
Inborn genetic diseases. Identifiers: MedGen C0950123, MeSH D030342.

Allele frequency attached by ClinVar (database versions not stated): ExAC 0.00002; gnomAD 0.00003; gnomAD exomes 0.00004; TOPMed 0.00004.

Submissions (3):

PreventionGenetics, part of Exact Sciences
Classification: Uncertain significance for TJP2-related condition. Last evaluated: 2026-02-02. Review status: criteria provided, single submitter. Criteria: ACMG Guidelines, 2015. Collection method: clinical testing. Allele origin: germline.
Comment: The TJP2 c.3064G>A variant is predicted to result in the amino acid substitution p.Val1022Ile. To our knowledge, this variant has not been reported in the literature. This variant is reported in 0.023% of alleles in individuals of South Asian descent in gnomAD. At this time, the clinical significance of this variant is uncertain due to the absence of conclusive functional and genetic evidence.

Ambry Genetics
Classification: Uncertain significance for Inborn genetic diseases. Last evaluated: 2023-04-07. Review status: criteria provided, single submitter. Criteria: Ambry Variant Classification Scheme 2023. Collection method: clinical testing. Allele origin: germline.

Labcorp Genetics (formerly Invitae), Labcorp
Classification: Uncertain significance. Last evaluated: 2021-11-08. Review status: criteria provided, single submitter. Criteria: Invitae Variant Classification Sherloc (09022015). Collection method: clinical testing. Allele origin: germline.
Comment: This sequence change replaces valine, which is neutral and non-polar, with isoleucine, which is neutral and non-polar, at codon 1022 of the TJP2 protein (p.Val1022Ile). This variant is present in population databases (rs779787233, gnomAD 0.02%). This variant has not been reported in the literature in individuals affected with TJP2-related conditions. Algorithms developed to predict the effect of missense changes on protein structure and function output the following: SIFT: "Tolerated"; PolyPhen-2: "Benign"; Align-GVGD: "Class C0". The isoleucine amino acid residue is found in multiple mammalian species, which suggests that this missense change does not adversely affect protein function. In summary, the available evidence is currently insufficient to determine the role of this variant in disease. Therefore, it has been classified as a Variant of Uncertain Significance.

NM_004817.4(TJP2):c.3064G>A (p.Val1022Ile)

Gene: TJP2 (tight junction protein 2; plus strand). Cytogenetic location: 9q21.11.
Variant type: single nucleotide variant.
Coding change: c.3064G>A on transcript NM_004817.4 (MANE Select); coding-DNA position 3064, G replaced by A.
Protein change: p.Val1022Ile; replaces valine 1022 with isoleucine.
Molecular consequence: missense variant. On other transcripts: intron variant (3).
Genome position (GRCh38, 1-based): chr9:69,251,107, G>A. VCF-style: chr9-69251107-G-A. GRCh37 (hg19) VCF-style: chr9-71866023-G-A.
Other names: c.2812-1708G>A (NM_001170414.2); c.2881-1708G>A (NM_201629.3); c.2893-1708G>A (NM_001369874.1); c.2965G>A, p.Val989Ile (NM_001170415.1); c.3157G>A, p.Val1053Ile (NM_001170416.2); c.2989G>A, p.Val997Ile (NM_001369870.1); c.2995G>A, p.Val999Ile (NM_001369871.1); c.2953G>A, p.Val985Ile (NM_001369872.1); and 3 more; short protein forms V914I, V985I, V989I, V997I, V999I, V1022I, V1026I, V1053I.
Identifiers: ClinVar variation 1370384 (VCV001370384.5), dbSNP rs779787233, ClinGen allele CA5073875.